The following is an entry in ClinVar:

ClinVar aggregate classification (germline): Uncertain significance. Review status: criteria provided, multiple submitters, no conflicts (2 of 4 stars). 4 submissions from 4 submitters: Uncertain significance (4). Last evaluated 2026-03-04.

Conditions:
Anemia, nonspherocytic hemolytic, due to G6PD deficiency (CNSHA1). Also called: Class I glucose-6-phosphate dehydrogenase deficiency; Favism, susceptibility to; Hemolytic anemia due to G6PD deficiency; ANEMIA, CONGENITAL, NONSPHEROCYTIC HEMOLYTIC, 1. Identifiers: Orphanet 466026, MedGen C2720289, MONDO:0010480, OMIM 300908.

Allele frequency attached by ClinVar (database versions not stated): TOPMed 0.00002; ExAC 0.00003; gnomAD exomes 0.00004; gnomAD 0.00005.

Submissions (4):

Women's Health and Genetics/Laboratory Corporation of America, LabCorp
Classification: Uncertain significance. Last evaluated: 2026-03-04. Review status: criteria provided, single submitter. Criteria: LabCorp Variant Classification Summary - May 2015. Collection method: clinical testing. Allele origin: germline.
Comment: Variant summary: G6PD c.427G>A/p.Asp143Asn (also known as c.337G>A/p.Asp113Asn) results in a conservative amino acid change in the encoded protein sequence. Algorithms developed to predict the effect of missense changes on protein structure and function are either unavailable or do not agree on the potential impact of this missense change. The variant allele was found at a frequency of 3.8e-05 in 183160 control chromosomes. The available data on variant occurrences in the general population are insufficient to allow any conclusion about variant significance. c.427G>A has been observed in individual(s) affected with Glucose 6 Phosphate Dehydrogenase Deficiency. These report(s) do not provide unequivocal conclusions about association of the variant with Glucose 6 Phosphate Dehydrogenase Deficiency. To our knowledge, no experimental evidence demonstrating an impact on protein function has been reported. The following publications have been ascertained in the context of this evaluation (PMID: 8436389, 9250351, 36681081). ClinVar contains an entry for this variant (Variation ID: 281819). Based on the evidence outlined above, the variant was classified as uncertain significance.

Labcorp Genetics (formerly Invitae), Labcorp
Classification: Uncertain significance for Anemia, nonspherocytic hemolytic, due to G6PD deficiency. Last evaluated: 2024-12-07. Review status: criteria provided, single submitter. Criteria: Invitae Variant Classification Sherloc (09022015). Collection method: clinical testing. Allele origin: germline.
Comment: This sequence change replaces aspartic acid, which is acidic and polar, with asparagine, which is neutral and polar, at codon 113 of the G6PD protein (p.Asp113Asn). This variant is present in population databases (rs5030870, gnomAD 0.007%). This variant has not been reported in the literature in individuals affected with G6PD-related conditions. ClinVar contains an entry for this variant (Variation ID: 281819). An algorithm developed to predict the effect of missense changes on protein structure and function outputs the following: PolyPhen-2: "Benign". The asparagine amino acid residue is found in multiple mammalian species, which suggests that this missense change does not adversely affect protein function. In summary, the available evidence is currently insufficient to determine the role of this variant in disease. Therefore, it has been classified as a Variant of Uncertain Significance.

Dunham Lab, University of Washington
Classification: Uncertain significance for Anemia, nonspherocytic hemolytic, due to G6PD deficiency. Last evaluated: 2024-12-05. Review status: criteria provided, single submitter. Criteria: Bayesian ACMG Guidelines, 2018. Collection method: curation. Allele origin: unknown. Affected: no.
Comment: Variant found in hemizygotes without G6PD deficiency and the activity in red blood cells is within the normal range (BS2). Post_P 0.0059 (odds of pathogenicity 0.053, Prior_P 0.1).

Eurofins Ntd Llc (ga)
Classification: Uncertain significance. Last evaluated: 2015-07-09. Review status: criteria provided, single submitter. Criteria: EGL Classification Definitions 2015. Collection method: clinical testing. Allele origin: germline. Observed: 1 variant allele, 1 hemizygote.

Literature cited by the submitters: PubMed 36681081 (cited by Women's Health and Genetics/Laboratory Corporation of America, LabCorp); PubMed 9250351 (cited by Women's Health and Genetics/Laboratory Corporation of America, LabCorp and Dunham Lab, University of Washington); PubMed 8436389 (cited by Women's Health and Genetics/Laboratory Corporation of America, LabCorp and Dunham Lab, University of Washington).

NM_001360016.2(G6PD):c.337G>A (p.Asp113Asn)

Gene: G6PD (glucose-6-phosphate dehydrogenase; minus strand). Cytogenetic location: Xq28.
Variant type: single nucleotide variant.
Coding change: c.337G>A on transcript NM_001360016.2 (MANE Select); coding-DNA position 337, G replaced by A.
Protein change: p.Asp113Asn; replaces aspartic acid 113 with asparagine.
Molecular consequence: missense variant.
Genome position (GRCh38, 1-based): chrX:154,535,316, C>T on the plus strand (G>A on the coding strand, the complement: G6PD is on the minus strand). VCF-style: chrX-154535316-C-T. GRCh37 (hg19) VCF-style: chrX-153763531-C-T.
Other names: G6PD Sao Borja; c.427G>A, p.Asp143Asn (NM_000402.4); c.337G>A, p.Asp113Asn (NM_001042351.3); short protein forms D113N, D143N.
Identifiers: ClinVar variation 281819 (VCV000281819.11), dbSNP rs5030870, ClinGen allele CA10566262.